The following is an entry in ClinVar:

ClinVar aggregate classification (germline): Uncertain significance (1 of 4 stars; one submission).

Conditions:
Malignant hyperthermia, susceptibility to, 5 (MHS5). Also called: CACNA1S-Related Malignant Hyperthermia Susceptibility. Identifiers: Orphanet 423, MedGen C1866077, MONDO:0011163, OMIM 601887.

Submission:

All of Us Research Program, National Institutes of Health
Classification: Uncertain significance for Malignant hyperthermia, susceptibility to, 5. Last evaluated: 2023-11-02. Review status: criteria provided, single submitter. Criteria: ACMG Guidelines, 2015. Collection method: clinical testing. Allele origin: germline. Inheritance: Autosomal dominant inheritance. Observed: 1 variant allele, 1 heterozygote.
Comment: This missense variant replaces arginine with threonine at codon 1709 of the CACNA1S protein. Computational prediction suggests that this variant may not impact protein structure and function (internally defined REVEL score threshold <= 0.5, PMID: 27666373). To our knowledge, functional studies have not been reported for this variant. This variant has not been reported in individuals affected with CACNA1S-related disorders in the literature. This variant has not been identified in the general population by the Genome Aggregation Database (gnomAD). The available evidence is insufficient to determine the role of this variant in disease conclusively. Therefore, this variant is classified as a Variant of Uncertain Significance.

This study involves interpretation of variants in research participants for the purpose of population health screening. Participant phenotype was not available at the time of variant classification. Additional details can be found in publication PMID: 35346344, PMCID: PMC8962531

NM_000069.3(CACNA1S):c.5126G>C (p.Arg1709Thr)

Gene: CACNA1S (calcium voltage-gated channel subunit alpha1 S; minus strand). Cytogenetic location: 1q32.1.
Variant type: single nucleotide variant.
Coding change: c.5126G>C on transcript NM_000069.3 (MANE Select); coding-DNA position 5126, G replaced by C.
Protein change: p.Arg1709Thr; replaces arginine 1709 with threonine.
Molecular consequence: missense variant.
Genome position (GRCh38, 1-based): chr1:201,041,512, C>G on the plus strand (G>C on the coding strand, the complement: CACNA1S is on the minus strand). VCF-style: chr1-201041512-C-G. GRCh37 (hg19) VCF-style: chr1-201010640-C-G.
Other names: short protein forms R1709T.
Identifiers: ClinVar variation 3074381 (VCV003074381.1), dbSNP rs2464399294, ClinGen allele CA344132795.